The following is an entry in ClinVar:

NM_004999.4(MYO6):c.458C>G (p.Ser153Ter)

Gene: MYO6 (myosin VI; plus strand). Cytogenetic location: 6q14.1.
Variant type: single nucleotide variant.
Coding change: c.458C>G on transcript NM_004999.4 (MANE Select); coding-DNA position 458, C replaced by G.
Protein change: p.Ser153Ter; replaces serine 153 with a stop codon.
Molecular consequence: nonsense. On other transcripts: non-coding transcript variant (2).
Genome position (GRCh38, 1-based): chr6:75,832,908, C>G. VCF-style: chr6-75832908-C-G. GRCh37 (hg19) VCF-style: chr6-76542625-C-G.
Other names: c.458C>G, p.Ser153Ter (NM_001300899.2, NM_001368136.1, NM_001368137.1 and 5 more transcripts); short protein forms S153*.
Identifiers: ClinVar variation 228376 (VCV000228376.4), dbSNP rs876657710, ClinGen allele CA10576702.
Genomic context (GRCh38, chr6:75,832,908, plus strand): 5'-AAGCTTTTCGAGACATGAAGGTGCTCAAGATGAGTCAGTCTATCATTGTATCTGGAGAAT[C>G]AGGAGCCGGCAAAACAGAAAATACAAAATTTGTTCTAAGGTGAGTATTCAGCTAACTTGA-3'

ClinVar aggregate classification (germline): Pathogenic (1 of 4 stars; one submission).

Conditions:
Rare genetic deafness. Identifiers: Orphanet 96210, MedGen C5680250.

Submission:

Laboratory for Molecular Medicine, Mass General Brigham Personalized Medicine
Classification: Pathogenic for Rare genetic deafness. Last evaluated: 2015-03-25. Review status: criteria provided, single submitter. Criteria: LMM Criteria. Collection method: clinical testing. Allele origin: germline. Inheritance: Autosomal recessive inheritance. Observed: 4 variant alleles.
Comment: The p.Ser153X variant in MYO6 has not been previously reported in individuals wi th hearing loss and was absent from large population studies. This nonsense vari ant leads to a premature termination codon at position 153, which is predicted t o lead to a truncated or absent protein. Loss-of-function variants in the MYO6 g ene have been reported in families with nonsyndromic hearing loss with either a dominant or recessive pattern of inheritance (Ahmed 2003, Hilgert 2008, Sanggaar d 2008), and in vitro studies support a causal role for MYO6 variants in hearing loss (Avraham, 1995, Kiernan 1999, Williams 2013). In summary, this variant mee ts our criteria to be classified as pathogenic (icine/lmm).

Literature cited by the submitters: PubMed 12687499; PubMed 18212818; PubMed 7493015; PubMed 10900098; PubMed 23485424; PubMed 18348273.